The following is an entry in ClinVar:

ClinVar aggregate classification (germline): Uncertain significance (1 of 4 stars; one submission).

Conditions:
Emery-Dreifuss muscular dystrophy 4, autosomal dominant (EDMD4). Also called: EMERY-DREIFUSS MUSCULAR DYSTROPHY 4 WITH VARIABLE FEATURES. Identifiers: Orphanet 261, MedGen C2751807, MONDO:0013071, OMIM 612998.
Autosomal recessive ataxia, Beauce type. Also called: SYNE1-Related Autosomal Recessive Cerebellar Ataxia; SYNE1 Deficiency; Spinocerebellar ataxia, autosomal recessive 8; ATAXIA, RECESSIVE, OF BEAUCE. Identifiers: Orphanet 88644, MedGen C1853116, MONDO:0012549, OMIM 610743.

Allele frequency attached by ClinVar (database versions not stated): gnomAD 0.00001; gnomAD exomes 0.00001.
gnomAD v4.1: 5 of 1,613,498 alleles (0.00031%); highest among the groups gnomAD compares: South Asian, 0.0044%; no homozygotes.

Submission:

Labcorp Genetics (formerly Invitae), Labcorp
Classification: Uncertain significance for Emery-Dreifuss muscular dystrophy 4, autosomal dominant; Autosomal recessive ataxia, Beauce type. Last evaluated: 2023-03-18. Review status: criteria provided, single submitter. Criteria: Invitae Variant Classification Sherloc (09022015). Collection method: clinical testing. Allele origin: germline.
Comment: In summary, the available evidence is currently insufficient to determine the role of this variant in disease. Therefore, it has been classified as a Variant of Uncertain Significance. Algorithms developed to predict the effect of missense changes on protein structure and function output the following: SIFT: "Not Available"; PolyPhen-2: "Benign"; Align-GVGD: "Not Available". The leucine amino acid residue is found in multiple mammalian species, which suggests that this missense change does not adversely affect protein function. This variant has not been reported in the literature in individuals affected with SYNE1-related conditions. This variant is present in population databases (no rsID available, gnomAD 0.006%). This sequence change replaces isoleucine, which is neutral and non-polar, with leucine, which is neutral and non-polar, at codon 2831 of the SYNE1 protein (p.Ile2831Leu).

NM_182961.4(SYNE1):c.8470A>T (p.Ile2824Leu)

Gene: SYNE1 (spectrin repeat containing nuclear envelope protein 1; minus strand). Cytogenetic location: 6q25.2.
Variant type: single nucleotide variant.
Coding change: c.8470A>T on transcript NM_182961.4 (MANE Select); coding-DNA position 8470, A replaced by T.
Protein change: p.Ile2824Leu; replaces isoleucine 2824 with leucine.
Molecular consequence: missense variant.
Genome position (GRCh38, 1-based): chr6:152,387,089, T>A on the plus strand (A>T on the coding strand, the complement: SYNE1 is on the minus strand). VCF-style: chr6-152387089-T-A. GRCh37 (hg19) VCF-style: chr6-152708224-T-A.
Other names: c.8491A>T, p.Ile2831Leu (NM_033071.5); short protein forms I2831L, I2824L.
Identifiers: ClinVar variation 2924729 (VCV002924729.3), dbSNP rs1182380514, ClinGen allele CA366145890.
Genomic context (GRCh38, chr6:152,387,089, plus strand): 5'-TTAATGTATTATAAAGCATCTACTTTCAATATAAAGCACTAACCTTGGCAACAGTCATTA[T>A]ATCATTAAACTGTGTTTTCAGCTCCTCTTGAGCTGTGTCCTTGAAAGACTCATCCTCTGT-3'
Protein context (NP_892006.3, residues 2814-2834): QEELKTQFND[Ile2824Leu]MTVAKEKMRK